The following is an entry in ClinVar:

NM_080680.3(COL11A2):c.2085G>A (p.Lys695=)

Gene: COL11A2 (collagen type XI alpha 2 chain; minus strand). Cytogenetic location: 6p21.32.
Variant type: single nucleotide variant.
Coding change: c.2085G>A on transcript NM_080680.3 (MANE Select); coding-DNA position 2085, G replaced by A.
Protein change: p.Lys695=; no amino-acid change (lysine 695 retained).
Molecular consequence: synonymous variant.
Genome position (GRCh38, 1-based): chr6:33,176,751, C>T on the plus strand (G>A on the coding strand, the complement: COL11A2 is on the minus strand). VCF-style: chr6-33176751-C-T. GRCh37 (hg19) VCF-style: chr6-33144528-C-T.
Other names: c.1764G>A, p.Lys588= (NM_080679.3); c.1827G>A, p.Lys609= (NM_080681.3).
Identifiers: ClinVar variation 681388 (VCV000681388.10), dbSNP rs368770525, ClinGen allele CA3751045.

ClinVar aggregate classification (germline): Likely benign. Review status: criteria provided, multiple submitters, no conflicts (2 of 4 stars). 3 submissions from 3 submitters: Likely benign (3). Last evaluated 2025-11-17.

Allele frequency attached by ClinVar (database versions not stated): gnomAD exomes 0.00001 and 0.00004; ExAC 0.00007; gnomAD 0.00014 and 0.00016; ESP Exome Variant Server 0.00015; TOPMed 0.00017.
gnomAD v4.1: 37 of 1,613,016 alleles (0.0023%); highest among the groups gnomAD compares: African/African-American, 0.033%; no homozygotes.

Submissions (3):

Labcorp Genetics (formerly Invitae), Labcorp
Classification: Likely benign. Last evaluated: 2025-11-17. Review status: criteria provided, single submitter. Criteria: Invitae Variant Classification Sherloc (09022015). Collection method: clinical testing. Allele origin: germline.

Blueprint Genetics
Classification: Likely benign. Last evaluated: 2023-11-21. Review status: criteria provided, single submitter. Criteria: ACMG Guidelines, 2015. Collection method: clinical testing. Allele origin: germline.

GeneDx
Classification: Likely benign. Last evaluated: 2018-04-02. Review status: criteria provided, single submitter. Criteria: GeneDx Variant Classification (06012015). Collection method: clinical testing. Allele origin: germline. Affected: yes.
Comment: This variant is considered likely benign or benign based on one or more of the following criteria: it is a conservative change, it occurs at a poorly conserved position in the protein, it is predicted to be benign by multiple in silico algorithms, and/or has population frequency not consistent with disease.